The following is an entry in ClinVar:

NM_003000.3(SDHB):c.369G>A (p.Lys123=)

Gene: SDHB (succinate dehydrogenase complex iron sulfur subunit B; minus strand). Cytogenetic location: 1p36.13.
Variant type: single nucleotide variant.
Coding change: c.369G>A on transcript NM_003000.3 (MANE Select); coding-DNA position 369, G replaced by A.
Protein change: p.Lys123=; no amino-acid change (lysine 123 retained).
Molecular consequence: synonymous variant.
Genome position (GRCh38, 1-based): chr1:17,028,654, C>T on the plus strand (G>A on the coding strand, the complement: SDHB is on the minus strand). VCF-style: chr1-17028654-C-T. GRCh37 (hg19) VCF-style: chr1-17355149-C-T.
Other names: c.369G>A, p.Lys123= (NM_001407361.1).
Identifiers: ClinVar variation 1734041 (VCV001734041.6), dbSNP rs2101523108, ClinGen allele CA416087738.
Genomic context (GRCh38, chr1:17,028,654, plus strand): 5'-ACTCACGGGAACAAGATCCTTTATCACATACATGTGTGGAAGAGGGTAGATTTTTGAGAC[C>T]TTATTGAGGTTGGTGTCAATCCTTCGGGTGCAAGCTAGAGTGTTGCCTCCATTGATGTTC-3'
Protein context (NP_002991.2, residues 113-133): CTRRIDTNLN[Lys123=]VSKIYPLPHM

ClinVar aggregate classification (germline): Conflicting classifications of pathogenicity. Review status: criteria provided, conflicting classifications (1 of 4 stars). 3 submissions from 3 submitters: Uncertain significance (1); Benign (1); Likely benign (1). Last evaluated 2025-03-12.

Conditions:
Hereditary cancer-predisposing syndrome. Also called: Tumor predisposition; Neoplastic Syndromes, Hereditary; Hereditary Cancer Syndrome; Hereditary neoplastic syndrome. Identifiers: Orphanet 140162, MedGen C0027672, MeSH D009386, MONDO:0015356.
Pheochromocytoma/paraganglioma syndrome 4. Also called: CAROTID BODY TUMORS AND MULTIPLE EXTRAADRENAL PHEOCHROMOCYTOMAS; PARAGANGLIOMA, FAMILIAL MALIGNANT; PARAGANGLIOMAS, HEREDITARY EXTRAADRENAL; PHEOCHROMOCYTOMA, FAMILIAL EXTRAADRENAL; SDHB-Related Hereditary Paraganglioma-Pheochromocytoma Syndrome; SDHB-Related Hereditary Paraganglioma-Pheochromocytoma Syndrome (Paragangliomas 4). Identifiers: Orphanet 29072, MedGen C1861848, MONDO:0007273, OMIM 115310.
Pheochromocytoma. Also called: MAX-Related Hereditary Paraganglioma-Pheochromocytoma Syndrome. Identifiers: Orphanet 29072, MedGen C0031511, MONDO:0008233, OMIM 171300, HP:0002666.
Gastrointestinal stromal tumor. Also called: Gastrointestinal stroma tumor; Gastrointestinal stromal tumor, somatic. Identifiers: Orphanet 44890, MedGen C0238198, MeSH D046152, MONDO:0011719, OMIM 606764, HP:0100723.

Submissions (3):

Myriad Genetics, Inc.
Classification: Benign for Pheochromocytoma/paraganglioma syndrome 4. Last evaluated: 2025-03-12. Review status: criteria provided, single submitter. Criteria: Myriad Autosomal Dominant, Autosomal Recessive and X-Linked Classification Criteria (2023). Collection method: clinical testing. Allele origin: unknown.
Comment: This variant is considered benign. This variant is a silent/synonymous amino acid change and it is not expected to impact splicing.

Labcorp Genetics (formerly Invitae), Labcorp
Classification: Uncertain significance for Gastrointestinal stromal tumor; Pheochromocytoma/paraganglioma syndrome 4; Pheochromocytoma. Last evaluated: 2023-03-07. Review status: criteria provided, single submitter. Criteria: Invitae Variant Classification Sherloc (09022015). Collection method: clinical testing. Allele origin: germline.
Comment: In summary, the available evidence is currently insufficient to determine the role of this variant in disease. Therefore, it has been classified as a Variant of Uncertain Significance. Algorithms developed to predict the effect of sequence changes on RNA splicing suggest that this variant may disrupt the consensus splice site. ClinVar contains an entry for this variant (Variation ID: 1734041). This variant has not been reported in the literature in individuals affected with SDHB-related conditions. This variant is not present in population databases (gnomAD no frequency). This sequence change affects codon 123 of the SDHB mRNA. It is a 'silent' change, meaning that it does not change the encoded amino acid sequence of the SDHB protein.

Ambry Genetics
Classification: Likely benign for Hereditary cancer-predisposing syndrome. Last evaluated: 2021-11-07. Review status: criteria provided, single submitter. Criteria: Ambry Variant Classification Scheme 2023. Collection method: clinical testing. Allele origin: germline.